The following is an entry in ClinVar:

ClinVar aggregate classification (germline): Uncertain significance (1 of 4 stars; one submission).

Conditions:
Nemaline myopathy 10 (NEM10). Identifiers: MedGen C4015360, MONDO:0014513, OMIM 616165.

Allele frequency attached by ClinVar (database versions not stated): gnomAD exomes below 0.00001; TOPMed below 0.00001.

Submission:

Labcorp Genetics (formerly Invitae), Labcorp
Classification: Uncertain significance for Nemaline myopathy 10. Last evaluated: 2022-08-16. Review status: criteria provided, single submitter. Criteria: Invitae Variant Classification Sherloc (09022015). Collection method: clinical testing. Allele origin: germline.
Comment: In summary, the available evidence is currently insufficient to determine the role of this variant in disease. Therefore, it has been classified as a Variant of Uncertain Significance. Algorithms developed to predict the effect of missense changes on protein structure and function (SIFT, PolyPhen-2, Align-GVGD) all suggest that this variant is likely to be disruptive. ClinVar contains an entry for this variant (Variation ID: 1024803). This variant has not been reported in the literature in individuals affected with LMOD3-related conditions. This variant is present in population databases (no rsID available, gnomAD 0.003%). This sequence change replaces lysine, which is basic and polar, with arginine, which is basic and polar, at codon 280 of the LMOD3 protein (p.Lys280Arg).

NM_198271.5(LMOD3):c.839A>G (p.Lys280Arg)

Gene: LMOD3 (leiomodin 3; minus strand). Cytogenetic location: 3p14.1.
Variant type: single nucleotide variant.
Coding change: c.839A>G on transcript NM_198271.5 (MANE Select); coding-DNA position 839, A replaced by G.
Protein change: p.Lys280Arg; replaces lysine 280 with arginine.
Molecular consequence: missense variant.
Genome position (GRCh38, 1-based): chr3:69,119,516, T>C on the plus strand (A>G on the coding strand, the complement: LMOD3 is on the minus strand). VCF-style: chr3-69119516-T-C. GRCh37 (hg19) VCF-style: chr3-69168667-T-C.
Other names: c.839A>G, p.Lys280Arg (NM_001304418.3); short protein forms K280R.
Identifiers: ClinVar variation 1024803 (VCV001024803.5), dbSNP rs1435079305, ClinGen allele CA353474439.